The following is an entry in ClinVar:

NM_000338.3(SLC12A1):c.628+2T>C

Gene: SLC12A1 (solute carrier family 12 member 1; plus strand). Cytogenetic location: 15q21.1.
Variant type: single nucleotide variant.
Coding change: c.628+2T>C on transcript NM_000338.3 (MANE Select); the canonical splice donor site of the intron after coding-DNA position 628, T replaced by C.
Molecular consequence: splice donor variant.
Genome position (GRCh38, 1-based): chr15:48,220,998, T>C. VCF-style: chr15-48220998-T-C. GRCh37 (hg19) VCF-style: chr15-48513195-T-C.
Other names: c.628+2T>C (NM_001384136.1, NM_001184832.2).
Identifiers: ClinVar variation 2748310 (VCV002748310.3), dbSNP rs2505027099, ClinGen allele CA392305100.

ClinVar aggregate classification (germline): Likely pathogenic (1 of 4 stars; one submission).

Submission:

Labcorp Genetics (formerly Invitae), Labcorp
Classification: Likely pathogenic. Last evaluated: 2023-08-05. Review status: criteria provided, single submitter. Criteria: Invitae Variant Classification Sherloc (09022015). Collection method: clinical testing. Allele origin: germline.
Comment: This sequence change affects a donor splice site in intron 4 of the SLC12A1 gene. It is expected to disrupt RNA splicing. Variants that disrupt the donor or acceptor splice site typically lead to a loss of protein function (PMID: 16199547), and loss-of-function variants in SLC12A1 are known to be pathogenic (PMID: 8640224, 9585600, 19096086). This variant is not present in population databases (gnomAD no frequency). This variant has not been reported in the literature in individuals affected with SLC12A1-related conditions. Algorithms developed to predict the effect of sequence changes on RNA splicing suggest that this variant may disrupt the consensus splice site. In summary, the currently available evidence indicates that the variant is pathogenic, but additional data are needed to prove that conclusively. Therefore, this variant has been classified as Likely Pathogenic.

Literature cited by the submitters: PubMed 16199547; PubMed 8640224; PubMed 9585600; PubMed 19096086.